The following is an entry in ClinVar:

NM_000532.5(PCCB):c.1043A>G (p.Asn348Ser)

Gene: PCCB (propionyl-CoA carboxylase subunit beta; plus strand). Cytogenetic location: 3q22.3.
Variant type: single nucleotide variant.
Coding change: c.1043A>G on transcript NM_000532.5 (MANE Select); coding-DNA position 1043, A replaced by G.
Protein change: p.Asn348Ser; replaces asparagine 348 with serine.
Molecular consequence: missense variant.
Genome position (GRCh38, 1-based): chr3:136,317,017, A>G. VCF-style: chr3-136317017-A-G. GRCh37 (hg19) VCF-style: chr3-136035859-A-G.
Other names: c.1103A>G, p.Asn368Ser (NM_001178014.2); c.1043A>G (NM_000532.4); short protein forms N368S, N348S.
Identifiers: ClinVar variation 1408924 (VCV001408924.4), dbSNP rs747309318, ClinGen allele CA2631993.
Genomic context (GRCh38, chr3:136,317,017, plus strand): 5'-AATTTTTTGAGATCATGCCCAATTATGCCAAGAACATCATTGTTGGTTTTGCAAGAATGA[A>G]TGGGAGGACTGTTGGAATTGTTGGCAACCAACCTAAGGTGGCCTCAGGTAGGATGGAGCT-3'
Protein context (NP_000523.2, residues 338-358): KNIIVGFARM[Asn348Ser]GRTVGIVGNQ

ClinVar aggregate classification (germline): Uncertain significance. Review status: criteria provided, multiple submitters, no conflicts (2 of 4 stars). 2 submissions from 2 submitters: Uncertain significance (2). Last evaluated 2024-05-20.

Conditions:
Propionic acidemia (PROP). Also called: GLYCINEMIA, KETOTIC; HYPERGLYCINEMIA WITH KETOACIDOSIS AND LEUKOPENIA; KETOTIC HYPERGLYCINEMIA. Identifiers: Orphanet 35, MedGen C0268579, MONDO:0011628, OMIM 606054, HP:0003571.

Allele frequency attached by ClinVar (database versions not stated): ExAC 0.00001; gnomAD 0.00001; gnomAD exomes 0.00001 and below 0.00001.
gnomAD v4.1: 13 of 1,613,872 alleles (0.00081%); highest among the groups gnomAD compares: Non-Finnish European, 0.00051%; no homozygotes.

Submissions (2):

Labcorp Genetics (formerly Invitae), Labcorp
Classification: Uncertain significance for Propionic acidemia. Last evaluated: 2024-05-20. Review status: criteria provided, single submitter. Criteria: Invitae Variant Classification Sherloc (09022015). Collection method: clinical testing. Allele origin: germline.
Comment: This sequence change replaces asparagine, which is neutral and polar, with serine, which is neutral and polar, at codon 348 of the PCCB protein (p.Asn348Ser). This variant is present in population databases (rs747309318, gnomAD 0.008%). This variant has not been reported in the literature in individuals affected with PCCB-related conditions. ClinVar contains an entry for this variant (Variation ID: 1408924). Advanced modeling of protein sequence and biophysical properties (such as structural, functional, and spatial information, amino acid conservation, physicochemical variation, residue mobility, and thermodynamic stability) has been performed at Invitae for this missense variant, however the output from this modeling did not meet the statistical confidence thresholds required to predict the impact of this variant on PCCB protein function. In summary, the available evidence is currently insufficient to determine the role of this variant in disease. Therefore, it has been classified as a Variant of Uncertain Significance.

GeneDx
Classification: Uncertain significance. Last evaluated: 2022-08-26. Review status: criteria provided, single submitter. Criteria: GeneDx Variant Classification Process June 2021. Collection method: clinical testing. Allele origin: germline. Affected: yes.
Comment: Not observed at significant frequency in large population cohorts (gnomAD); In silico analysis supports that this missense variant does not alter protein structure/function; Has not been previously published as pathogenic or benign to our knowledge